The following is an entry in ClinVar:

NM_005188.4(CBL):c.*1933C>T

Gene: CBL (Cbl proto-oncogene; plus strand). Cytogenetic location: 11q23.3.
Variant type: single nucleotide variant.
Coding change: c.*1933C>T on transcript NM_005188.4 (MANE Select); 1933 bases downstream of the stop codon, C replaced by T.
Molecular consequence: 3 prime UTR variant.
Genome position (GRCh38, 1-based): chr11:119,301,714, C>T. VCF-style: chr11-119301714-C-T. GRCh37 (hg19) VCF-style: chr11-119172424-C-T.
Identifiers: ClinVar variation 302816 (VCV000302816.5), dbSNP rs529781104, ClinGen allele CA10637879.

ClinVar aggregate classification (germline): Benign (1 of 4 stars; one submission).

Conditions:
CBL-related disorder. Also called: NOONAN SYNDROME-LIKE DISORDER WITHOUT JUVENILE MYELOMONOCYTIC LEUKEMIA; CBL MUTATION-ASSOCIATED SYNDROME; CBL SYNDROME. Identifiers: Orphanet 363972, MedGen C3150803, MONDO:0013308, OMIM 613563.

Allele frequency attached by ClinVar (database versions not stated): gnomAD exomes 0.00008; 1000 Genomes Project 30x 0.00047; gnomAD 0.00047 and 0.00050; TOPMed 0.00059; 1000 Genomes Project 0.00060.
gnomAD v4.1: 76 of 233,234 alleles (0.033%); highest among the groups gnomAD compares: African/African-American, 0.16%; no homozygotes.

Submission:

Illumina Laboratory Services, Illumina
Classification: Benign for CBL-related disorder. Last evaluated: 2018-01-13. Review status: criteria provided, single submitter. Criteria: ICSL Variant Classification Criteria 13 December 2019. Collection method: clinical testing. Allele origin: germline.
Comment: This variant was observed in the ICSL laboratory as part of a predisposition screen in an ostensibly healthy population. It had not been previously curated by ICSL or reported in the Human Gene Mutation Database (HGMD: prior to June 1st, 2018), and was therefore a candidate for classification through an automated scoring system. Utilizing variant allele frequency, disease prevalence and penetrance estimates, and inheritance mode, an automated score was calculated to assess if this variant is too frequent to cause the disease. Based on the score and internal cut-off values, a variant classified as benign is not then subjected to further curation. The score for this variant resulted in a classification of benign for this disease.